The following is an entry in ClinVar:

NM_006231.4(POLE):c.5326G>T (p.Ala1776Ser)

Gene: POLE (DNA polymerase epsilon, catalytic subunit; minus strand). Cytogenetic location: 12q24.33.
Variant type: single nucleotide variant.
Coding change: c.5326G>T on transcript NM_006231.4 (MANE Select); coding-DNA position 5326, G replaced by T.
Protein change: p.Ala1776Ser; replaces alanine 1776 with serine.
Molecular consequence: missense variant.
Genome position (GRCh38, 1-based): chr12:132,641,699, C>A on the plus strand (G>T on the coding strand, the complement: POLE is on the minus strand). VCF-style: chr12-132641699-C-A. GRCh37 (hg19) VCF-style: chr12-133218285-C-A.
Other names: short protein forms A1776S.
Identifiers: ClinVar variation 540656 (VCV000540656.12), dbSNP rs748644914, ClinGen allele CA6892569.

ClinVar aggregate classification (germline): Conflicting classifications of pathogenicity. Review status: criteria provided, conflicting classifications (1 of 4 stars). 2 submissions from 2 submitters: Uncertain significance (1); Likely benign (1). Last evaluated 2025-04-30.

Conditions:
Hereditary cancer-predisposing syndrome. Also called: Neoplastic Syndromes, Hereditary; Hereditary Cancer Syndrome; Hereditary neoplastic syndrome; Tumor predisposition. Identifiers: Orphanet 140162, MedGen C0027672, MeSH D009386, MONDO:0015356.

Allele frequency attached by ClinVar (database versions not stated): ExAC 0.00001; gnomAD 0.00001.
gnomAD v4.1: 4 of 1,613,696 alleles (0.00025%); highest among the groups gnomAD compares: Non-Finnish European, 0.00034%; no homozygotes.

Submissions (2):

Labcorp Genetics (formerly Invitae), Labcorp
Classification: Uncertain significance. Last evaluated: 2025-04-30. Review status: criteria provided, single submitter. Criteria: Invitae Variant Classification Sherloc (09022015). Collection method: clinical testing. Allele origin: germline.
Comment: This sequence change replaces alanine, which is neutral and non-polar, with serine, which is neutral and polar, at codon 1776 of the POLE protein (p.Ala1776Ser). This variant is present in population databases (rs748644914, gnomAD 0.003%). This variant has not been reported in the literature in individuals affected with POLE-related conditions. ClinVar contains an entry for this variant (Variation ID: 540656). Invitae Evidence Modeling of protein sequence and biophysical properties (such as structural, functional, and spatial information, amino acid conservation, physicochemical variation, residue mobility, and thermodynamic stability) indicates that this missense variant is not expected to disrupt POLE protein function with a negative predictive value of 80%. In summary, the available evidence is currently insufficient to determine the role of this variant in disease. Therefore, it has been classified as a Variant of Uncertain Significance.

Ambry Genetics
Classification: Likely benign for Hereditary cancer-predisposing syndrome. Last evaluated: 2024-12-19. Review status: criteria provided, single submitter. Criteria: Ambry Variant Classification Scheme 2023. Collection method: clinical testing. Allele origin: germline.